The following is an entry in ClinVar:

ClinVar aggregate classification (germline): Pathogenic/Likely pathogenic. Review status: criteria provided, multiple submitters, no conflicts (2 of 4 stars). 15 submissions from 14 submitters: Pathogenic (12); Likely pathogenic (1). 2 of the submissions do not count toward it. Last evaluated 2025-10-23.

Conditions:
FGFR2-related disorder. Identifiers: MedGen CN380096.
FGFR2-related craniosynostosis. Identifiers: MedGen CN231480.
Neoplasm of stomach. Also called: Neoplasm of the stomach; Stomach Neoplasms; Gastric neoplasm. Identifiers: MedGen C0038356, MONDO:0021085, HP:0006753. Disease mechanism: gain of function. Inheritance: Somatic mutation.
Saethre-Chotzen syndrome (SCS). Also called: ACROCEPHALY, SKULL ASYMMETRY, AND MILD SYNDACTYLY; ACS III; CHOTZEN SYNDROME. Identifiers: Orphanet 794, MedGen C0175699, MONDO:0007042, OMIM 101400.
Familial scaphocephaly syndrome, McGillivray type. Also called: SCAPHOCEPHALY, MAXILLARY RETRUSION, AND IMPAIRED INTELLECTUAL DEVELOPMENT. Identifiers: Orphanet 168624, MedGen C1865070, MONDO:0012307, OMIM 609579.
Jackson-Weiss syndrome (JWS). Also called: CRANIOSYNOSTOSIS, MIDFACIAL HYPOPLASIA, AND FOOT ABNORMALITIES. Identifiers: Orphanet 1540, MedGen C0795998, MONDO:0007400, OMIM 123150. Disease mechanism: loss of function.
Bent bone dysplasia syndrome 1 (BBDS1). Also called: FGFR2-related bent bone dysplasia. Identifiers: Orphanet 313855, MedGen C3281247, MONDO:0013815, OMIM 614592.
Crouzon syndrome. Also called: CRANIOFACIAL DYSOSTOSIS, TYPE I; Craniofacial dysostosis type 1; Crouzon craniofacial dysostosis; Crouzon disease; Craniofacial dysostosis. Identifiers: Orphanet 207, MedGen C0010273, MeSH D003394, MONDO:0007405, OMIM 123500, HP:0004439.
Pfeiffer syndrome (ACS5). Also called: ACS V. Identifiers: Orphanet 710, MedGen C0220658, MONDO:0007043, OMIM 101600.
Beare-Stevenson cutis gyrata syndrome (BSTVS). Identifiers: Orphanet 1555, MedGen C1852406, MONDO:0007412, OMIM 123790.
Acrocephalosyndactyly type I (ACS1). Also called: Acrocephalo-syndactyly type 1; ACS 1; Syndactylic oxycephaly; Apert syndrome. Identifiers: Orphanet 87, MedGen C0001193, MONDO:0007041, OMIM 101200.
Antley-Bixler syndrome without genital anomalies or disordered steroidogenesis (ABS2). Also called: Trapezoidocephaly synostosis syndrome; Osteodysgenesis, multisynostotic with fractures; MULTISYNOSTOTIC OSTEODYSGENESIS WITH LONG BONE FRACTURES; Antley-Bixler Syndrome, Autosomal Dominant. Identifiers: Orphanet 596008, Orphanet 83, MedGen C2936791, MONDO:0020667, OMIM 207410.
Levy-Hollister syndrome (LADD). Also called: LADD syndrome. Identifiers: Orphanet 2363, MedGen C0265269, MONDO:0007872.
Endometrial carcinoma. Also called: Endometrial carcinoma, somatic. Identifiers: MedGen C0476089, MONDO:0002447, OMIM 608089, HP:0012114.

Submissions (15):

PreventionGenetics, part of Exact Sciences
Classification: Pathogenic for FGFR2-related condition. Last evaluated: 2025-10-23. Review status: criteria provided, single submitter. Criteria: ACMG Guidelines, 2015. Collection method: clinical testing. Allele origin: germline.
Comment: The FGFR2 c.1124A>G variant is predicted to result in the amino acid substitution p.Tyr375Cys. This variant has been well documented to be pathogenic for Beare-Stevenson cutis gyrata syndrome (see for example Przylepa et al. 1996. PubMed ID: 8696350; Fonseca et al. 2008. PubMed ID: 21479481; Wenger et al. 2015. PMID: 25706251; Ron et al. 2016. PubMed ID: 27079505). This variant has also been identified as a de novo variant in an infant with a clinical diagnosis of Pfeiffer syndrome (Willig et al. 2015. PubMed ID: 25937001). This variant has not been reported in a large population database (gnomAD), indicating this variant is rare. This variant is interpreted as pathogenic.

Department of Genetics, Rouen University Hospital, Normandy Center for Genomic and Personalized Medicine
Classification: Pathogenic for Beare-Stevenson cutis gyrata syndrome. Last evaluated: 2025-10-22. Review status: criteria provided, single submitter. Criteria: ACMG Guidelines, 2015. Collection method: clinical testing. Allele origin: unknown. Affected: yes.

Labcorp Genetics (formerly Invitae), Labcorp
Classification: Pathogenic for FGFR2-related craniosynostosis. Last evaluated: 2025-03-26. Review status: criteria provided, single submitter. Criteria: Invitae Variant Classification Sherloc (09022015). Collection method: clinical testing. Allele origin: germline.
Comment: This sequence change replaces tyrosine, which is neutral and polar, with cysteine, which is neutral and slightly polar, at codon 375 of the FGFR2 protein (p.Tyr375Cys). This variant is not present in population databases (gnomAD no frequency). This missense change has been observed in individual(s) with Beare-Stevenson cutis gyrata syndrome (PMID: 8696350, 12145519, 12900900, 16531735, 20856019, 21397175, 25706251, 25937001, 27079505). In at least one individual the variant was observed to be de novo. ClinVar contains an entry for this variant (Variation ID: 13277). Invitae Evidence Modeling of protein sequence and biophysical properties (such as structural, functional, and spatial information, amino acid conservation, physicochemical variation, residue mobility, and thermodynamic stability) indicates that this missense variant is not expected to disrupt FGFR2 protein function with a negative predictive value of 80%. For these reasons, this variant has been classified as Pathogenic.

Baylor Genetics
Classification: Pathogenic for Beare-Stevenson cutis gyrata syndrome. Last evaluated: 2024-01-09. Review status: criteria provided, single submitter. Criteria: ACMG Guidelines, 2015. Collection method: clinical testing. Allele origin: unknown.

GeneDx
Classification: Pathogenic. Last evaluated: 2023-03-26. Review status: criteria provided, single submitter. Criteria: GeneDx Variant Classification Process June 2021. Collection method: clinical testing. Allele origin: germline. Affected: yes.
Comment: Not observed at significant frequency in large population cohorts (gnomAD); In silico analysis supports that this missense variant has a deleterious effect on protein structure/function; This variant is associated with the following publications: (PMID: 12000365, 12900900, 23754559, 16531735, 25937001, 17525745, 19610084, 12145519, 27079505, 21397175, 17449949, 35050789, 32158469, 21479481, 8696350, 9545103, 25706251, 20856019)

Institute of Medical Genetics and Applied Genomics, University Hospital Tübingen
Classification: Pathogenic. Last evaluated: 2020-10-23. Review status: criteria provided, single submitter. Criteria: ACMG Guidelines, 2015. Collection method: clinical testing. Allele origin: germline. Inheritance: Unknown mechanism. Affected: yes.

Blueprint Genetics
Classification: Pathogenic for FGFR2-related disorders. Last evaluated: 2019-06-22. Review status: criteria provided, single submitter. Criteria: ACMG Guidelines, 2015. Collection method: clinical testing. Allele origin: germline. Affected: yes. Observed: 1 variant allele.

Fulgent Genetics
Classification: Pathogenic for Acrocephalosyndactyly type I; Saethre-Chotzen syndrome; Pfeiffer syndrome; Jackson-Weiss syndrome; Crouzon syndrome; Beare-Stevenson cutis gyrata syndrome; LADD syndrome 1; Antley-Bixler syndrome without genital anomalies or disordered steroidogenesis; Familial scaphocephaly syndrome, McGillivray type; Gastric cancer; Bent bone dysplasia syndrome 1. Last evaluated: 2018-10-31. Review status: criteria provided, single submitter. Criteria: ACMG Guidelines, 2015. Collection method: clinical testing. Allele origin: unknown.

Genomic Diagnostic Laboratory, Division of Genomic Diagnostics, Children's Hospital of Philadelphia
Classification: Pathogenic for Beare-Stevenson cutis gyrata syndrome. Last evaluated: 2016-09-17. Review status: criteria provided, single submitter. Criteria: DGD Variant Analysis Guidelines. Collection method: clinical testing. Allele origin: germline. Affected: yes. Observed: 3 variant alleles.
Comment: Clinical Testing

Center for Pediatric Genomic Medicine, Children's Mercy Hospital and Clinics
Classification: Pathogenic. Last evaluated: 2014-08-28. Review status: criteria provided, single submitter. Criteria: ACMG Guidelines, 2015. Collection method: clinical testing. Allele origin: de novo.

Department of Medical Genetics, Oslo University Hospital
Classification: Likely pathogenic for Beare-Stevenson cutis gyrata syndrome. Review status: criteria provided, single submitter. Criteria: ACMG Guidelines, 2015. Collection method: clinical testing. Allele origin: de novo. Affected: yes. Observed: 1 variant allele, 1 heterozygote.

Randwick Genomics Laboratory, Prince of Wales Hospital Sydney, Australia, New South Wales Health Pathology
Classification: Pathogenic for Beare-Stevenson cutis gyrata syndrome. Review status: criteria provided, single submitter. Criteria: ACMG Guidelines, 2015. Collection method: clinical testing. Allele origin: de novo. Affected: yes.
Comment: Recurrent pathogenic: RCV000762799

Trio, AD de novo

Variantyx, Inc.
Classification: Pathogenic for Beare-Stevenson cutis gyrata syndrome. Review status: criteria provided, single submitter. Criteria: Variantyx Assertion Criteria 2022. Collection method: clinical testing. Allele origin: de novo. Inheritance: Autosomal dominant inheritance. Affected: yes.
Comment: This is a nonsynonymous variant in the FGFR2 gene (OMIM: 176943). Pathogenic variants in this gene have been associated with autosomal dominant Beare-Stevenson cutis gyrata syndrome. This variant has been reported in several unrelated affected individuals (PMID: 8696350, 12900900, 17449949) (PS4). Multiple computational algorithms predict a deleterious effect for this variant (REVEL score: 0.921) (PP3_Moderate). This variant is absent from control populations (PM2_Supporting). Based on the current evidence, this variant is classified as pathogenic for autosomal dominant Beare-Stevenson cutis gyrata syndrome.

OMIM
Classification: Pathogenic for BEARE-STEVENSON CUTIS GYRATA SYNDROME. Last evaluated: 2007-11-01. Review status: no assertion criteria provided. Collection method: literature only. Allele origin: unknown. Not counted in ClinVar's aggregate classification.

OMIM
Classification: Pathogenic for ENDOMETRIAL CANCER, SOMATIC. Last evaluated: 2007-11-01. Review status: no assertion criteria provided. Collection method: literature only. Allele origin: somatic. Not counted in ClinVar's aggregate classification.

Literature cited by the submitters: PubMed 8696350 (cited by 3 submitters); PubMed 12145519 (cited by Labcorp Genetics (formerly Invitae), Labcorp and Variantyx, Inc.); PubMed 12900900 (cited by 3 submitters); PubMed 16531735 (cited by Labcorp Genetics (formerly Invitae), Labcorp); PubMed 20856019 (cited by Labcorp Genetics (formerly Invitae), Labcorp); PubMed 21397175 (cited by Labcorp Genetics (formerly Invitae), Labcorp); PubMed 25706251 (cited by Labcorp Genetics (formerly Invitae), Labcorp); PubMed 25937001 (cited by Labcorp Genetics (formerly Invitae), Labcorp); PubMed 27079505 (cited by Labcorp Genetics (formerly Invitae), Labcorp); PubMed 17449949 (cited by Variantyx, Inc.); PubMed 12000365 (cited by OMIM); PubMed 17525745 (cited by OMIM).

NM_000141.5(FGFR2):c.1124A>G (p.Tyr375Cys)

Gene: FGFR2 (fibroblast growth factor receptor 2; minus strand). Cytogenetic location: 10q26.13.
Variant type: single nucleotide variant.
Coding change: c.1124A>G on transcript NM_000141.5 (MANE Select); coding-DNA position 1124, A replaced by G.
Protein change: p.Tyr375Cys; replaces tyrosine 375 with cysteine.
Molecular consequence: missense variant. On other transcripts: non-coding transcript variant (1), intron variant (1).
Genome position (GRCh38, 1-based): chr10:121,515,280, T>C on the plus strand (A>G on the coding strand, the complement: FGFR2 is on the minus strand). VCF-style: chr10-121515280-T-C. GRCh37 (hg19) VCF-style: chr10-123274794-T-C.
Other names: c.1127A>G, p.Tyr376Cys (NM_001144913.1, NM_022970.4); c.788A>G, p.Tyr263Cys (NM_001144914.1); c.857A>G, p.Tyr286Cys (NM_001144915.2, NM_023029.3); c.779A>G, p.Tyr260Cys (NM_001144916.2, NM_001144918.2); c.860A>G, p.Tyr287Cys (NM_001144919.2); c.440A>G, p.Tyr147Cys (NM_001320654.2); c.1124A>G, p.Tyr375Cys (NM_001320658.2); c.939+4699A>G (NM_001144917.2); short protein forms Y375C, Y376C, Y263C, Y147C, Y286C, Y287C, Y260C.
Identifiers: ClinVar variation 13277 (VCV000013277.28), dbSNP rs121913478, ClinGen allele CA122987.